The following is an entry in ClinVar:

ClinVar aggregate classification (germline): Uncertain significance (1 of 4 stars; one submission).

Submission:

Labcorp Genetics (formerly Invitae), Labcorp
Classification: Uncertain significance. Last evaluated: 2025-07-14. Review status: criteria provided, single submitter. Criteria: Invitae Variant Classification Sherloc (09022015). Collection method: clinical testing. Allele origin: germline.
Comment: This sequence change falls in intron 12 of the ERCC2 gene. It does not directly change the encoded amino acid sequence of the ERCC2 protein. It affects a nucleotide within the consensus splice site. This variant is not present in population databases (gnomAD no frequency). This variant has not been reported in the literature in individuals affected with ERCC2-related conditions. ClinVar contains an entry for this variant (Variation ID: 2085365). Variants that disrupt the consensus splice site are a relatively common cause of aberrant splicing (PMID: 17576681, 9536098). Algorithms developed to predict the effect of sequence changes on RNA splicing suggest that this variant may disrupt the consensus splice site. In summary, the available evidence is currently insufficient to determine the role of this variant in disease. Therefore, it has been classified as a Variant of Uncertain Significance.

Literature cited by the submitters: PubMed 17576681; PubMed 9536098.

NM_000400.4(ERCC2):c.1238-3del

Gene: ERCC2 (ERCC excision repair 2, TFIIH core complex helicase subunit; minus strand). Cytogenetic location: 19q13.32.
Variant type: Deletion.
Coding change: c.1238-3del on transcript NM_000400.4 (MANE Select); 3 bases into the intron before coding-DNA position 1238, one base deleted (C; older notation c.1238-3delC).
Molecular consequence: intron variant.
Genome position (GRCh38, 1-based): chr19:45,357,702, G deleted on the plus strand (C on the coding strand, the reverse complement: ERCC2 is on the minus strand). VCF-style (leftmost placement, unchanged base first): chr19-45357701-TG-T. GRCh37 (hg19) VCF-style: chr19-45860959-TG-T.
Identifiers: ClinVar variation 2085365 (VCV002085365.4), dbSNP rs2514014191, ClinGen allele CA2580097396.